The following is an entry in ClinVar:

NM_000186.4(CFH):c.716T>C (p.Met239Thr)

Gene: CFH (complement factor H; plus strand). Cytogenetic location: 1q31.3.
Variant type: single nucleotide variant.
Coding change: c.716T>C on transcript NM_000186.4 (MANE Select); coding-DNA position 716, T replaced by C.
Protein change: p.Met239Thr; replaces methionine 239 with threonine.
Molecular consequence: missense variant.
Genome position (GRCh38, 1-based): chr1:196,679,719, T>C. VCF-style: chr1-196679719-T-C. GRCh37 (hg19) VCF-style: chr1-196648849-T-C.
Other names: c.716T>C, p.Met239Thr (NM_001014975.3); short protein forms M239T.
Identifiers: ClinVar variation 4291322 (VCV004291322.1).

ClinVar aggregate classification (germline): Uncertain significance (1 of 4 stars; one submission).

Conditions:
Age related macular degeneration 4. Identifiers: MedGen C1853147, MONDO:0012540, OMIM 610698.

Submission:

Genomenon, Inc
Classification: Uncertain significance for Age related macular degeneration 4. Last evaluated: 2025-10-02. Review status: criteria provided, single submitter. Criteria: Genomenon Sequence Variant Interpretation Standards - Updated. Collection method: curation. Allele origin: germline. Affected: yes.
Comment: CFH p.Met239Thr (c.716T>C) is a missense variant that changes the amino acid at residue 239 from Methionine to Threonine. This variant has been observed in at least one proband affected with age-related macular degeneration (PMID:26501415). It is absent or not present at a significant frequency in gnomAD. In silico models agree that this variant is not damaging. In conclusion, we classify CFH p.Met239Thr (c.716T>C) as a variant of uncertain significance.

Literature cited by the submitters: PubMed 26501415.